The following is an entry in ClinVar:

ClinVar aggregate classification (germline): Benign (1 of 4 stars; one submission).

Conditions:
Familial cancer of breast. Also called: hereditary breast carcinoma; Hereditary breast cancer; BREAST CANCER, FAMILIAL. Identifiers: Orphanet 227535, MedGen C0346153, MONDO:0016419, OMIM 114480. Disease mechanism: loss of function.

Submission:

Myriad Genetics, Inc.
Classification: Benign for Familial cancer of breast. Last evaluated: 2024-07-25. Review status: criteria provided, single submitter. Criteria: Myriad Autosomal Dominant, Autosomal Recessive and X-Linked Classification Criteria (2023). Collection method: clinical testing. Allele origin: unknown.
Comment: This variant is considered benign. This variant is a silent/synonymous amino acid change and it is not expected to impact splicing.

NM_000465.4(BARD1):c.1359T>C (p.Asp453=)

Gene: BARD1 (BRCA1 associated RING domain 1; minus strand). Cytogenetic location: 2q35.
Variant type: single nucleotide variant.
Coding change: c.1359T>C on transcript NM_000465.4 (MANE Select); coding-DNA position 1359, T replaced by C.
Protein change: p.Asp453=; no amino-acid change (aspartic acid 453 retained).
Molecular consequence: synonymous variant. On other transcripts: non-coding transcript variant (3), intron variant (3).
Genome position (GRCh38, 1-based): chr2:214,769,268, A>G on the plus strand (T>C on the coding strand, the complement: BARD1 is on the minus strand). VCF-style: chr2-214769268-A-G. GRCh37 (hg19) VCF-style: chr2-215633992-A-G.
Other names: c.1302T>C, p.Asp434= (NM_001282543.2); c.159-16713T>C (NM_001282548.2); c.216-16713T>C (NM_001282545.2); c.364+23029T>C (NM_001282549.2).
Identifiers: ClinVar variation 3379036 (VCV003379036.1).
Genomic context (GRCh38, chr2:214,769,268, plus strand): 5'-TGAGAATAAAAACCAGACAACTACCAATGGTGTCCATCCAGCATGGTCTTTAACATTTGG[A>G]TCACTTCCATTTTGTAAAAGGTATTCAACAGAAGGTATGTCGCCCTAGAAAAATGAACAA-3'
Protein context (NP_000456.2, residues 443-463): SVEYLLQNGS[Asp453=]PNVKDHAGWT